The following is an entry in ClinVar:

NM_001267550.2(TTN):c.15160T>G (p.Cys5054Gly)

Gene: TTN (titin; minus strand). Cytogenetic location: 2q31.2.
Variant type: single nucleotide variant.
Coding change: c.15160T>G on transcript NM_001267550.2 (MANE Select); coding-DNA position 15160, T replaced by G.
Protein change: p.Cys5054Gly; replaces cysteine 5054 with glycine.
Molecular consequence: missense variant. On other transcripts: intron variant (3).
Genome position (GRCh38, 1-based): chr2:178,734,764, A>C on the plus strand (T>G on the coding strand, the complement: TTN is on the minus strand). VCF-style: chr2-178734764-A-C. GRCh37 (hg19) VCF-style: chr2-179599491-A-C.
Other names: p.Cys4737Gly; c.14209T>G, p.Cys4737Gly (NM_001256850.1); c.11428T>G, p.Cys3810Gly (NM_133378.4); c.13282+3318T>G (NM_003319.4); c.13858+3318T>G (NM_133437.4); c.13657+3318T>G (NM_133432.3); short protein forms C3810G, C4737G, C5054G.
Identifiers: ClinVar variation 4540760 (VCV004540760.1).

ClinVar aggregate classification (germline): Uncertain significance (1 of 4 stars; one submission).

Submission:

Mayo Clinic Laboratories, Mayo Clinic
Classification: Uncertain significance. Last evaluated: 2025-08-22. Review status: criteria provided, single submitter. Criteria: ACMG Guidelines, 2015. Collection method: clinical testing. Allele origin: germline. Observed: 1 variant allele.
Comment: PP3_moderate, PM2_supporting